The following is an entry in ClinVar:

ClinVar aggregate classification (germline): Uncertain significance (1 of 4 stars; one submission).

Conditions:
Familial cold autoinflammatory syndrome 2 (FCAS2). Identifiers: Orphanet 247868, MedGen C2673198, MONDO:0012724, OMIM 611762.

Allele frequency attached by ClinVar (database versions not stated): TOPMed below 0.00001; ExAC 0.00001; ESP Exome Variant Server 0.00008.
gnomAD v4.1: 10 of 1,613,782 alleles (0.00062%); highest among the groups gnomAD compares: Non-Finnish European, 0.00085%; no homozygotes.

Submission:

Labcorp Genetics (formerly Invitae), Labcorp
Classification: Uncertain significance for Familial cold autoinflammatory syndrome 2. Last evaluated: 2020-03-07. Review status: criteria provided, single submitter. Criteria: Invitae Variant Classification Sherloc (09022015). Collection method: clinical testing. Allele origin: germline.
Comment: This sequence change replaces glutamine with proline at codon 126 of the NLRP12 protein (p.Gln126Pro). The glutamine residue is moderately conserved and there is a moderate physicochemical difference between glutamine and proline. This variant is present in population databases (rs377242049, ExAC 0.002%). This variant has not been reported in the literature in individuals with NLRP12-related conditions. Algorithms developed to predict the effect of missense changes on protein structure and function are either unavailable or do not agree on the potential impact of this missense change (SIFT: "Deleterious"; PolyPhen-2: "Possibly Damaging"; Align-GVGD: "Class C0"). In summary, the available evidence is currently insufficient to determine the role of this variant in disease. Therefore, it has been classified as a Variant of Uncertain Significance.

NM_144687.4(NLRP12):c.377A>C (p.Gln126Pro)

Gene: NLRP12 (NLR family pyrin domain containing 12; minus strand). Cytogenetic location: 19q13.42.
Variant type: single nucleotide variant.
Coding change: c.377A>C on transcript NM_144687.4 (MANE Select); coding-DNA position 377, A replaced by C.
Protein change: p.Gln126Pro; replaces glutamine 126 with proline.
Molecular consequence: missense variant.
Genome position (GRCh38, 1-based): chr19:53,811,282, T>G on the plus strand (A>C on the coding strand, the complement: NLRP12 is on the minus strand). VCF-style: chr19-53811282-T-G. GRCh37 (hg19) VCF-style: chr19-54314536-T-G.
Other names: c.377A>C, p.Gln126Pro (NM_001277126.2, NM_001277129.1); short protein forms Q126P.
Identifiers: ClinVar variation 1043923 (VCV001043923.8), dbSNP rs377242049, ClinGen allele CA9639727.